The following is an entry in ClinVar:

ClinVar aggregate classification (germline): Uncertain significance (1 of 4 stars; one submission).

Submission:

Labcorp Genetics (formerly Invitae), Labcorp
Classification: Uncertain significance. Last evaluated: 2023-01-27. Review status: criteria provided, single submitter. Criteria: Invitae Variant Classification Sherloc (09022015). Collection method: clinical testing. Allele origin: germline.
Comment: Algorithms developed to predict the effect of missense changes on protein structure and function (SIFT, PolyPhen-2, Align-GVGD) all suggest that this variant is likely to be tolerated. In summary, the available evidence is currently insufficient to determine the role of this variant in disease. Therefore, it has been classified as a Variant of Uncertain Significance. This variant has not been reported in the literature in individuals affected with TAF2-related conditions. This variant is not present in population databases (gnomAD no frequency). This sequence change replaces proline, which is neutral and non-polar, with alanine, which is neutral and non-polar, at codon 8 of the TAF2 protein (p.Pro8Ala).

NM_003184.4(TAF2):c.22C>G (p.Pro8Ala)

Gene: TAF2 (TATA-box binding protein associated factor 2; minus strand). Cytogenetic location: 8q24.12.
Variant type: single nucleotide variant.
Coding change: c.22C>G on transcript NM_003184.4 (MANE Select); coding-DNA position 22, C replaced by G.
Protein change: p.Pro8Ala; replaces proline 8 with alanine.
Molecular consequence: missense variant.
Genome position (GRCh38, 1-based): chr8:119,832,543, G>C on the plus strand (C>G on the coding strand, the complement: TAF2 is on the minus strand). VCF-style: chr8-119832543-G-C. GRCh37 (hg19) VCF-style: chr8-120844783-G-C.
Other names: short protein forms P8A.
Identifiers: ClinVar variation 2014616 (VCV002014616.4), dbSNP rs749383076, ClinGen allele CA371896930.